The following is an entry in ClinVar:

NM_032043.3(BRIP1):c.143C>A (p.Thr48Lys)

Gene: BRIP1 (BRCA1 interacting DNA helicase 1; minus strand). Cytogenetic location: 17q23.2.
Variant type: single nucleotide variant.
Coding change: c.143C>A on transcript NM_032043.3 (MANE Select); coding-DNA position 143, C replaced by A.
Protein change: p.Thr48Lys; replaces threonine 48 with lysine.
Molecular consequence: missense variant.
Genome position (GRCh38, 1-based): chr17:61,859,858, G>T on the plus strand (C>A on the coding strand, the complement: BRIP1 is on the minus strand). VCF-style: chr17-61859858-G-T. GRCh37 (hg19) VCF-style: chr17-59937219-G-T.
Other names: short protein forms T48K.
Identifiers: ClinVar variation 234642 (VCV000234642.21), dbSNP rs755317452, ClinGen allele CA8690987.

ClinVar aggregate classification (germline): Uncertain significance. Review status: criteria provided, multiple submitters, no conflicts (2 of 4 stars). 5 submissions from 5 submitters: Uncertain significance (5). Last evaluated 2026-01-23.

Conditions:
Hereditary cancer-predisposing syndrome. Also called: Tumor predisposition; Hereditary Cancer Syndrome; Hereditary neoplastic syndrome; Neoplastic Syndromes, Hereditary. Identifiers: Orphanet 140162, MedGen C0027672, MeSH D009386, MONDO:0015356.
Fanconi anemia complementation group J. Also called: BRIP1-Related Fanconi Anemia. Identifiers: Orphanet 84, MedGen C1836860, MONDO:0012187, OMIM 609054.
Familial cancer of breast. Also called: hereditary breast carcinoma; BREAST CANCER, FAMILIAL; Hereditary breast cancer. Identifiers: Orphanet 227535, MedGen C0346153, MONDO:0016419, OMIM 114480. Disease mechanism: loss of function.

Allele frequency attached by ClinVar (database versions not stated): gnomAD exomes below 0.00001; ExAC 0.00001; gnomAD 0.00001.
gnomAD v4.1: 6 of 1,613,830 alleles (0.00037%); highest among the groups gnomAD compares: Non-Finnish European, 0.00042%; no homozygotes.

Submissions (5):

Women's Health and Genetics/Laboratory Corporation of America, LabCorp
Classification: Uncertain significance. Last evaluated: 2026-01-23. Review status: criteria provided, single submitter. Criteria: LabCorp Variant Classification Summary - May 2015. Collection method: clinical testing. Allele origin: germline.
Comment: Variant summary: BRIP1 c.143C>A (p.Thr48Lys) results in a non-conservative amino acid change in the encoded protein sequence. Algorithms developed to predict the effect of missense changes on protein structure and function all suggest that this variant is likely to be disruptive. The variant was absent in 251412 control chromosomes (gnomAD). The available data on variant occurrences in the general population are insufficient to allow any conclusion about variant significance. c.143C>A has been observed in a cancer patient(s) of European descent with a family history of Ovarian Cancer but without known BRCA1/2 mutations (Zhu_2020). This report does not provide unequivocal conclusions about association of the variant with Fanconi anemia complementation group J. To our knowledge, no experimental evidence demonstrating an impact on protein function has been reported. The following publication has been ascertained in the context of this evaluation (PMID: 31265121). ClinVar contains an entry for this variant (Variation ID: 234642). Based on the evidence outlined above, the variant was classified as uncertain significance.

Labcorp Genetics (formerly Invitae), Labcorp
Classification: Uncertain significance for Familial cancer of breast; Fanconi anemia complementation group J. Last evaluated: 2025-08-13. Review status: criteria provided, single submitter. Criteria: Invitae Variant Classification Sherloc (09022015). Collection method: clinical testing. Allele origin: germline.
Comment: This sequence change replaces threonine, which is neutral and polar, with lysine, which is basic and polar, at codon 48 of the BRIP1 protein (p.Thr48Lys). This variant is present in population databases (rs755317452, gnomAD 0.007%). This variant has not been reported in the literature in individuals affected with BRIP1-related conditions. ClinVar contains an entry for this variant (Variation ID: 234642). Invitae Evidence Modeling of protein sequence and biophysical properties (such as structural, functional, and spatial information, amino acid conservation, physicochemical variation, residue mobility, and thermodynamic stability) has been performed for this missense variant. However, the output from this modeling did not meet the statistical confidence thresholds required to predict the impact of this variant on BRIP1 protein function. In summary, the available evidence is currently insufficient to determine the role of this variant in disease. Therefore, it has been classified as a Variant of Uncertain Significance.

Ambry Genetics
Classification: Uncertain significance for Hereditary cancer-predisposing syndrome. Last evaluated: 2025-05-28. Review status: criteria provided, single submitter. Criteria: Ambry Variant Classification Scheme 2023. Collection method: clinical testing. Allele origin: germline.
Comment: The p.T48K variant (also known as c.143C>A), located in coding exon 2 of the BRIP1 gene, results from a C to A substitution at nucleotide position 143. The threonine at codon 48 is replaced by lysine, an amino acid with similar properties. This amino acid position is highly conserved in available vertebrate species. In addition, this alteration is predicted to be deleterious by in silico analysis. Based on the available evidence, the clinical significance of this variant remains unclear.

GeneDx
Classification: Uncertain significance. Last evaluated: 2023-04-17. Review status: criteria provided, single submitter. Criteria: GeneDx Variant Classification Process June 2021. Collection method: clinical testing. Allele origin: germline. Affected: yes.
Comment: Not observed at significant frequency in large population cohorts (gnomAD); In silico analysis supports that this missense variant has a deleterious effect on protein structure/function; Has not been previously published as pathogenic or benign to our knowledge; This variant is associated with the following publications: (PMID: 26315354, 11301010)

Color Diagnostics, LLC DBA Color Health
Classification: Uncertain significance for Hereditary cancer-predisposing syndrome. Last evaluated: 2019-04-17. Review status: criteria provided, single submitter. Criteria: ACMG Guidelines, 2015. Collection method: clinical testing. Allele origin: germline.

Literature cited by the submitters: PubMed 31265121 (cited by Women's Health and Genetics/Laboratory Corporation of America, LabCorp).